The following is an entry in ClinVar:

NM_000543.5(SMPD1):c.208C>G (p.Pro70Ala)

Gene: SMPD1 (sphingomyelin phosphodiesterase 1; plus strand). Cytogenetic location: 11p15.4.
Variant type: single nucleotide variant.
Coding change: c.208C>G on transcript NM_000543.5 (MANE Select); coding-DNA position 208, C replaced by G.
Protein change: p.Pro70Ala; replaces proline 70 with alanine.
Molecular consequence: missense variant. On other transcripts: 5 prime UTR variant (1), non-coding transcript variant (2).
Genome position (GRCh38, 1-based): chr11:6,390,806, C>G. VCF-style: chr11-6390806-C-G. GRCh37 (hg19) VCF-style: chr11-6412036-C-G.
Other names: c.208C>G, p.Pro70Ala (NM_001007593.3, NM_001318087.2, NM_001365135.2); c.-754C>G (NM_001318088.2); short protein forms P70A.
Identifiers: ClinVar variation 3349886 (VCV003349886.1).

ClinVar aggregate classification (germline): Uncertain significance (0 of 4 stars; one submission).

Conditions:
SMPD1-related disorder. Also called: SMPD1-related condition.

Submission:

PreventionGenetics, part of Exact Sciences
Classification: Uncertain significance for SMPD1-related condition. Last evaluated: 2024-03-26. Review status: no assertion criteria provided. Collection method: clinical testing. Allele origin: germline.
Comment: The SMPD1 c.208C>G variant is predicted to result in the amino acid substitution p.Pro70Ala. To our knowledge, this variant has not been reported in the literature or in a large population database, indicating this variant is rare. At this time, the clinical significance of this variant is uncertain due to the absence of conclusive functional and genetic evidence.